The following is an entry in ClinVar:

ClinVar aggregate classification (germline): Uncertain significance. Review status: criteria provided, multiple submitters, no conflicts (2 of 4 stars). 2 submissions from 2 submitters: Uncertain significance (2). Last evaluated 2024-06-03.

Conditions:
Inborn genetic diseases. Identifiers: MedGen C0950123, MeSH D030342.

Allele frequency attached by ClinVar (database versions not stated): gnomAD 0.00001; gnomAD exomes 0.00002; TOPMed 0.00004.
gnomAD v4.1: 28 of 1,550,872 alleles (0.0018%); highest among the groups gnomAD compares: Non-Finnish European, 0.0022%; no homozygotes.

Submissions (2):

Labcorp Genetics (formerly Invitae), Labcorp
Classification: Uncertain significance. Last evaluated: 2024-06-03. Review status: criteria provided, single submitter. Criteria: Invitae Variant Classification Sherloc (09022015). Collection method: clinical testing. Allele origin: germline.
Comment: This sequence change replaces glycine, which is neutral and non-polar, with serine, which is neutral and polar, at codon 991 of the UNC80 protein (p.Gly991Ser). This variant is present in population databases (no rsID available, gnomAD 0.01%). This variant has not been reported in the literature in individuals affected with UNC80-related conditions. ClinVar contains an entry for this variant (Variation ID: 1940055). An algorithm developed to predict the effect of missense changes on protein structure and function (PolyPhen-2) suggests that this variant is likely to be tolerated. In summary, the available evidence is currently insufficient to determine the role of this variant in disease. Therefore, it has been classified as a Variant of Uncertain Significance.

Ambry Genetics
Classification: Uncertain significance for Inborn genetic diseases. Last evaluated: 2023-10-20. Review status: criteria provided, single submitter. Criteria: Ambry Variant Classification Scheme 2023. Collection method: clinical testing. Allele origin: germline.

NM_001371986.1(UNC80):c.2971G>A (p.Gly991Ser)

Gene: UNC80 (unc-80 subunit of NALCN channel complex; plus strand). Cytogenetic location: 2q34.
Variant type: single nucleotide variant.
Coding change: c.2971G>A on transcript NM_001371986.1 (MANE Select); coding-DNA position 2971, G replaced by A.
Protein change: p.Gly991Ser; replaces glycine 991 with serine.
Molecular consequence: missense variant.
Genome position (GRCh38, 1-based): chr2:209,834,940, G>A. VCF-style: chr2-209834940-G-A. GRCh37 (hg19) VCF-style: chr2-210699664-G-A.
Other names: c.2971G>A (NM_032504.1); c.2971G>A, p.Gly991Ser (NM_032504.2); c.2956G>A, p.Gly986Ser (NM_182587.4); short protein forms G991S, G986S.
Identifiers: ClinVar variation 1940055 (VCV001940055.6), dbSNP rs1045275920, ClinGen allele CA64681319.